The following is an entry in ClinVar:

NM_001042492.3(NF1):c.7661C>G (p.Pro2554Arg)

Gene: NF1 (neurofibromin 1; plus strand). Cytogenetic location: 17q11.2.
Variant type: single nucleotide variant.
Coding change: c.7661C>G on transcript NM_001042492.3 (MANE Select); coding-DNA position 7661, C replaced by G.
Protein change: p.Pro2554Arg; replaces proline 2554 with arginine.
Molecular consequence: missense variant.
Genome position (GRCh38, 1-based): chr17:31,356,505, C>G. VCF-style: chr17-31356505-C-G. GRCh37 (hg19) VCF-style: chr17-29683523-C-G.
Other names: c.7598C>G, p.Pro2533Arg (NM_000267.4); short protein forms P2533R, P2554R.
Identifiers: ClinVar variation 4615738 (VCV004615738.1).

ClinVar aggregate classification (germline): Uncertain significance (1 of 4 stars; one submission).

Conditions:
Cardiovascular phenotype. Identifiers: MedGen CN230736.
Hereditary cancer-predisposing syndrome. Also called: Neoplastic Syndromes, Hereditary; Tumor predisposition; Hereditary Cancer Syndrome; Hereditary neoplastic syndrome. Identifiers: Orphanet 140162, MedGen C0027672, MeSH D009386, MONDO:0015356.

Submission:

Ambry Genetics
Classification: Uncertain significance for Cardiovascular phenotype; Hereditary cancer-predisposing syndrome. Last evaluated: 2025-09-29. Review status: criteria provided, single submitter. Criteria: Ambry Variant Classification Scheme 2023. Collection method: clinical testing. Allele origin: germline.
Comment: The p.P2533R variant (also known as c.7598C>G), located in coding exon 51 of the NF1 gene, results from a C to G substitution at nucleotide position 7598. The proline at codon 2533 is replaced by arginine, an amino acid with dissimilar properties. This amino acid position is conserved. In addition, the in silico prediction for this alteration is inconclusive. Based on the available evidence, the clinical significance of this variant remains unclear.